The following is an entry in ClinVar:

NM_004562.3(PRKN):c.1052C>T (p.Thr351Ile)

Gene: PRKN (parkin RBR E3 ubiquitin protein ligase; minus strand). Cytogenetic location: 6q26.
Variant type: single nucleotide variant.
Coding change: c.1052C>T on transcript NM_004562.3 (MANE Select); coding-DNA position 1052, C replaced by T.
Protein change: p.Thr351Ile; replaces threonine 351 with isoleucine.
Molecular consequence: missense variant.
Genome position (GRCh38, 1-based): chr6:161,548,885, G>A on the plus strand (C>T on the coding strand, the complement: PRKN is on the minus strand). VCF-style: chr6-161548885-G-A. GRCh37 (hg19) VCF-style: chr6-161969917-G-A.
Other names: c.968C>T, p.Thr323Ile (NM_013987.3); c.605C>T, p.Thr202Ile (NM_013988.3); short protein forms T202I, T323I, T351I.
Identifiers: ClinVar variation 2429568 (VCV002429568.1), dbSNP rs2115426370, ClinGen allele CA366460352.

ClinVar aggregate classification (germline): Uncertain significance (1 of 4 stars; one submission).

Submission:

GeneDx
Classification: Uncertain significance. Last evaluated: 2022-08-08. Review status: criteria provided, single submitter. Criteria: GeneDx Variant Classification Process June 2021. Collection method: clinical testing. Allele origin: germline. Affected: yes.
Comment: Reported previously in a cohort of patients with Parkinson disease and not seen in controls; however, no specific clinical or segregation information was provided (Hopfner et al., 2020); Not observed at significant frequency in large population cohorts (gnomAD); In silico analysis supports that this missense variant has a deleterious effect on protein structure/function; This variant is associated with the following publications: (PMID: 32442813)